The following is an entry in ClinVar:

ClinVar aggregate classification (germline): Pathogenic (1 of 4 stars; one submission).

Submission:

Labcorp Genetics (formerly Invitae), Labcorp
Classification: Pathogenic. Last evaluated: 2022-09-13. Review status: criteria provided, single submitter. Criteria: Invitae Variant Classification Sherloc (09022015). Collection method: clinical testing. Allele origin: germline.
Comment: For these reasons, this variant has been classified as Pathogenic. This sequence change creates a premature translational stop signal (p.Glu2705*) in the VCAN gene. It is expected to result in an absent or disrupted protein product. Loss-of-function variants in VCAN are known to be pathogenic (PMID: 26720455). This variant is not present in population databases (gnomAD no frequency). This variant has not been reported in the literature in individuals affected with VCAN-related conditions. ClinVar contains an entry for this variant (Variation ID: 1451690).

Literature cited by the submitters: PubMed 26720455.

NM_004385.5(VCAN):c.8113G>T (p.Glu2705Ter)

Genes: VCAN (versican; plus strand), VCAN-AS1 (VCAN antisense RNA 1; minus strand). Cytogenetic location: 5q14.3.
Variant type: single nucleotide variant.
Coding change: c.8113G>T on transcript NM_004385.5 (MANE Select); coding-DNA position 8113, G replaced by T.
Protein change: p.Glu2705Ter; replaces glutamic acid 2705 with a stop codon.
Molecular consequence: nonsense. On other transcripts: intron variant (2).
Genome position (GRCh38, 1-based): chr5:83,541,116, G>T. VCF-style: chr5-83541116-G-T. GRCh37 (hg19) VCF-style: chr5-82836935-G-T.
Other names: c.5152G>T, p.Glu1718Ter (NM_001164097.2); c.4004-4421G>T (NM_001164098.2); c.1043-4421G>T (NM_001126336.3); short protein forms E1718*, E2705*.
Identifiers: ClinVar variation 1451690 (VCV001451690.6), dbSNP rs2112449032, ClinGen allele CA360316204.